The following is an entry in ClinVar:

ClinVar aggregate classification (germline): Likely pathogenic (1 of 4 stars; one submission).

Conditions:
Ehlers-Danlos syndrome, classic type, 1 (EDSCL1). Also called: EHLERS-DANLOS SYNDROME, GRAVIS TYPE; EHLERS-DANLOS SYNDROME, SEVERE CLASSIC TYPE; Ehlers-Danlos syndrome, type 1; EDS I; Ehlers-Danlos Syndrome, Classic Type, COL5A1-Related. Identifiers: MedGen C0268335, MONDO:0019567, OMIM 130000.
Osteogenesis imperfecta type I (OI1). Also called: OI, TYPE I; OSTEOGENESIS IMPERFECTA TARDA; OSTEOGENESIS IMPERFECTA WITH BLUE SCLERAE; Osteogenesis imperfecta type 1; Lobstein's Disease; Lobstein disease. Identifiers: Orphanet 216796, Orphanet 666, MedGen C0023931, MONDO:0008146, OMIM 166200. Disease mechanism: loss of function.

Submission:

Labcorp Genetics (formerly Invitae), Labcorp
Classification: Likely pathogenic for Osteogenesis imperfecta type I; Ehlers-Danlos syndrome, classic type, 1. Last evaluated: 2022-08-30. Review status: criteria provided, single submitter. Criteria: Invitae Variant Classification Sherloc (09022015). Collection method: clinical testing. Allele origin: germline.
Comment: In summary, the currently available evidence indicates that the variant is pathogenic, but additional data are needed to prove that conclusively. Therefore, this variant has been classified as Likely Pathogenic. This variant disrupts the triple helix domain of COL1A2. Glycine residues within the Gly-Xaa-Yaa repeats of the triple helix domain are required for the structure and stability of fibrillar collagens (PMID: 7695699, 8218237, 19344236). In COL1A2, variants affecting these glycine residues are significantly enriched in individuals with disease (PMID: 9016532, 17078022) compared to the general population (ExAC). Advanced modeling of protein sequence and biophysical properties (such as structural, functional, and spatial information, amino acid conservation, physicochemical variation, residue mobility, and thermodynamic stability) performed at Invitae indicates that this missense variant is expected to disrupt COL1A2 protein function. This variant has not been reported in the literature in individuals affected with COL1A2-related conditions. This variant is not present in population databases (gnomAD no frequency). This sequence change replaces glycine, which is neutral and non-polar, with arginine, which is basic and polar, at codon 238 of the COL1A2 protein (p.Gly238Arg).

Literature cited by the submitters: PubMed 7695699; PubMed 8218237; PubMed 19344236; PubMed 9016532; PubMed 17078022.

NM_000089.4(COL1A2):c.712G>A (p.Gly238Arg)

Gene: COL1A2 (collagen type I alpha 2 chain; plus strand). Cytogenetic location: 7q21.3.
Variant type: single nucleotide variant.
Coding change: c.712G>A on transcript NM_000089.4 (MANE Select); coding-DNA position 712, G replaced by A.
Protein change: p.Gly238Arg; replaces glycine 238 with arginine.
Molecular consequence: missense variant.
Genome position (GRCh38, 1-based): chr7:94,408,354, G>A. VCF-style: chr7-94408354-G-A. GRCh37 (hg19) VCF-style: chr7-94037666-G-A.
Other names: short protein forms G238R.
Identifiers: ClinVar variation 2027820 (VCV002027820.4), dbSNP rs2484705943, ClinGen allele CA368220370.